The following is an entry in ClinVar:

ClinVar aggregate classification (germline): Pathogenic (1 of 4 stars; one submission).

Conditions:
Inborn genetic diseases. Identifiers: MedGen C0950123, MeSH D030342.

gnomAD v4.1: 7 of 1,614,122 alleles (0.00043%); highest among the groups gnomAD compares: South Asian, 0.0011%; no homozygotes.

Submission:

Ambry Genetics
Classification: Pathogenic for Inborn genetic diseases. Last evaluated: 2025-02-27. Review status: criteria provided, single submitter. Criteria: Ambry Variant Classification Scheme 2023. Collection method: clinical testing. Allele origin: germline.
Comment: The c.67C>T (p.R23*) alteration, located in exon 2 (coding exon 2) of the NEK8 gene, consists of a C to T substitution at nucleotide position 67. This alteration is expected to result in loss of function by premature protein truncation or nonsense-mediated mRNA decay. for autosomal recessive NEK8-related renal-hepatic-pancreatic dysplasia; however, it is unlikely to be causative of autosomal dominant NEK8-related polycystic kidney disease. Based on data from gnomAD, the T allele has an overall frequency of <0.001% (1/251412) total alleles studied. The highest observed frequency was 0.001% (1/113720) of European (non-Finnish) alleles. Based on the available evidence, this alteration is classified as pathogenic.

NM_178170.3(NEK8):c.67C>T (p.Arg23Ter)

Gene: NEK8 (NIMA related kinase 8; plus strand). Cytogenetic location: 17q11.2.
Variant type: single nucleotide variant.
Coding change: c.67C>T on transcript NM_178170.3 (MANE Select); coding-DNA position 67, C replaced by T.
Protein change: p.Arg23Ter; replaces arginine 23 with a stop codon.
Molecular consequence: nonsense.
Genome position (GRCh38, 1-based): chr17:28,734,002, C>T. VCF-style: chr17-28734002-C-T. GRCh37 (hg19) VCF-style: chr17-27061020-C-T.
Other names: short protein forms R23*.
Identifiers: ClinVar variation 3878766 (VCV003878766.1).